The following is an entry in ClinVar:

ClinVar aggregate classification (germline): Uncertain significance (1 of 4 stars; one submission).

Conditions:
Alstrom syndrome (ALMS). Identifiers: Orphanet 64, MedGen C0268425, MONDO:0008763, OMIM 203800.

Submission:

Labcorp Genetics (formerly Invitae), Labcorp
Classification: Uncertain significance for Alstrom syndrome. Last evaluated: 2023-05-01. Review status: criteria provided, single submitter. Criteria: Invitae Variant Classification Sherloc (09022015). Collection method: clinical testing. Allele origin: germline.
Comment: This sequence change replaces tyrosine, which is neutral and polar, with histidine, which is basic and polar, at codon 812 of the ALMS1 protein (p.Tyr812His). In summary, the available evidence is currently insufficient to determine the role of this variant in disease. Therefore, it has been classified as a Variant of Uncertain Significance. Algorithms developed to predict the effect of missense changes on protein structure and function output the following: SIFT: "Not Available"; PolyPhen-2: "Not Available"; Align-GVGD: "Not Available". The histidine amino acid residue is found in multiple mammalian species, which suggests that this missense change does not adversely affect protein function. This variant has not been reported in the literature in individuals affected with ALMS1-related conditions. This variant is not present in population databases (gnomAD no frequency).

NM_001378454.1(ALMS1):c.2431T>C (p.Tyr811His)

Gene: ALMS1 (ALMS1 centrosome and basal body associated protein; plus strand). Cytogenetic location: 2p13.1.
Variant type: single nucleotide variant.
Coding change: c.2431T>C on transcript NM_001378454.1 (MANE Select); coding-DNA position 2431, T replaced by C.
Protein change: p.Tyr811His; replaces tyrosine 811 with histidine.
Molecular consequence: missense variant.
Genome position (GRCh38, 1-based): chr2:73,448,958, T>C. VCF-style: chr2-73448958-T-C. GRCh37 (hg19) VCF-style: chr2-73676085-T-C.
Other names: c.2434T>C, p.Tyr812His (NM_015120.4); short protein forms Y811H, Y812H.
Identifiers: ClinVar variation 2858578 (VCV002858578.3), dbSNP rs2466094579, ClinGen allele CA347270058.